The following is an entry in ClinVar:

NM_000051.4(ATM):c.8663T>G (p.Ile2888Arg)

Genes: C11orf65 (chromosome 11 open reading frame 65; minus strand), ATM (ATM serine/threonine kinase; plus strand). Cytogenetic location: 11q22.3.
Variant type: single nucleotide variant.
Coding change: c.8663T>G on transcript NM_000051.4 (MANE Select); coding-DNA position 8663, T replaced by G.
Protein change: p.Ile2888Arg; replaces isoleucine 2888 with arginine.
Molecular consequence: missense variant. On other transcripts: intron variant (2).
Genome position (GRCh38, 1-based): chr11:108,347,357, T>G. VCF-style: chr11-108347357-T-G. GRCh37 (hg19) VCF-style: chr11-108218084-T-G.
Other names: c.8663T>G, p.Ile2888Arg (NM_001351834.2); c.641-38286A>C (NM_001330368.2); c.695-12065A>C (NM_001351110.2); short protein forms I2888R.
Identifiers: ClinVar variation 941974 (VCV000941974.12), dbSNP rs760955058, ClinGen allele CA382521266.

ClinVar aggregate classification (germline): Uncertain significance. Review status: criteria provided, multiple submitters, no conflicts (2 of 4 stars). 2 submissions from 2 submitters: Uncertain significance (2). Last evaluated 2019-06-17.

Conditions:
Hereditary cancer-predisposing syndrome. Also called: Tumor predisposition; Neoplastic Syndromes, Hereditary; Hereditary neoplastic syndrome; Hereditary Cancer Syndrome. Identifiers: Orphanet 140162, MedGen C0027672, MeSH D009386, MONDO:0015356.
Ataxia-telangiectasia syndrome (AT). Also called: Ataxia-telangiectasia, complementation group D; AT, COMPLEMENTATION GROUP C; ATAXIA-TELANGIECTASIA, COMPLEMENTATION GROUP A; ATAXIA-TELANGIECTASIA, FRESNO VARIANT; Ataxia-telangiectasia; Ataxia telangiectasia (A-T). Identifiers: Orphanet 100, MedGen C0004135, MONDO:0008840, OMIM 208900.

Submissions (2):

Labcorp Genetics (formerly Invitae), Labcorp
Classification: Uncertain significance for Ataxia-telangiectasia syndrome. Last evaluated: 2019-06-17. Review status: criteria provided, single submitter. Criteria: Invitae Variant Classification Sherloc (09022015). Collection method: clinical testing. Allele origin: germline.
Comment: This sequence change replaces isoleucine with arginine at codon 2888 of the ATM protein (p.Ile2888Arg). The isoleucine residue is highly conserved and there is a moderate physicochemical difference between isoleucine and arginine. This variant is not present in population databases (ExAC no frequency). This variant has not been reported in the literature in individuals with ATM-related conditions. Algorithms developed to predict the effect of missense changes on protein structure and function (SIFT, PolyPhen-2, Align-GVGD) all suggest that this variant is likely to be disruptive, but these predictions have not been confirmed by published functional studies and their clinical significance is uncertain. In summary, the available evidence is currently insufficient to determine the role of this variant in disease. Therefore, it has been classified as a Variant of Uncertain Significance.

Ambry Genetics
Classification: Uncertain significance for Hereditary cancer-predisposing syndrome. Last evaluated: 2019-02-08. Review status: criteria provided, single submitter. Criteria: Ambry Variant Classification Scheme 2023. Collection method: clinical testing. Allele origin: germline.
Comment: The p.I2888R variant (also known as c.8663T>G), located in coding exon 58 of the ATM gene, results from a T to G substitution at nucleotide position 8663. The isoleucine at codon 2888 is replaced by arginine, an amino acid with similar properties. This amino acid position is highly conserved in available vertebrate species. In addition, this alteration is predicted to be deleterious by in silico analysis. Since supporting evidence is limited at this time, the clinical significance of this alteration remains unclear.